The following is an entry in ClinVar:

NM_000352.6(ABCC8):c.541A>G (p.Met181Val)

Gene: ABCC8 (ATP binding cassette subfamily C member 8; minus strand). Cytogenetic location: 11p15.1.
Variant type: single nucleotide variant.
Coding change: c.541A>G on transcript NM_000352.6 (MANE Select); coding-DNA position 541, A replaced by G.
Protein change: p.Met181Val; replaces methionine 181 with valine.
Molecular consequence: missense variant. On other transcripts: non-coding transcript variant (1).
Genome position (GRCh38, 1-based): chr11:17,463,476, T>C on the plus strand (A>G on the coding strand, the complement: ABCC8 is on the minus strand). VCF-style: chr11-17463476-T-C. GRCh37 (hg19) VCF-style: chr11-17485023-T-C.
Other names: c.541A>G, p.Met181Val (NM_001287174.3, NM_001351295.2, NM_001351296.2 and 1 more transcripts); c.541A>G (NM_000352.4); short protein forms M181V.
Identifiers: ClinVar variation 3768987 (VCV003768987.2).
Genomic context (GRCh38, chr11:17,463,476, plus strand): 5'-CTGGCCCAGGTGGCCTGCTTACCCTCACCCTGATGACATTGACCTCCACGAGGAGCAGCA[T>C]CCCATAGAGGATCACCAGCAGCCCTGTGAGGCAGAAGCGTAGCTGCGAGAAGCCGATGGC-3'
Protein context (NP_000343.2, residues 171-191): LTGLLVILYG[Met181Val]LLLVEVNVIR

ClinVar aggregate classification (germline): Uncertain significance. Review status: criteria provided, single submitter (1 of 4 stars). 2 submissions from 2 submitters: Uncertain significance (1). 1 of the submissions does not count toward it. Last evaluated 2025-02-18.

Conditions:
Hereditary hyperinsulinism.

Submissions (2):

Women's Health and Genetics/Laboratory Corporation of America, LabCorp
Classification: Uncertain significance. Last evaluated: 2025-02-18. Review status: criteria provided, single submitter. Criteria: LabCorp Variant Classification Summary - May 2015. Collection method: clinical testing. Allele origin: germline.
Comment: Variant summary: ABCC8 c.541A>G (p.Met181Val) results in a conservative amino acid change in the encoded protein sequence. Five of five in-silico tools predict a benign effect of the variant on protein function. The variant was absent in 234694 control chromosomes. The available data on variant occurrences in the general population are insufficient to allow any conclusion about variant significance. To our knowledge, no occurrence of c.541A>G in individuals affected with Familial Hyperinsulinism and no experimental evidence demonstrating its impact on protein function have been reported. No submitters have cited clinical-significance assessments for this variant to ClinVar. Based on the evidence outlined above, the variant was classified as uncertain significance.

Natera, Inc.
Classification: Uncertain significance for Hereditary hyperinsulinism. Last evaluated: 2025-05-01. Review status: no assertion criteria provided. Collection method: clinical testing. Allele origin: germline. Not counted in ClinVar's aggregate classification.